The following is an entry in ClinVar:

ClinVar aggregate classification (germline): Uncertain significance (1 of 4 stars; one submission).

Allele frequency attached by ClinVar (database versions not stated): gnomAD exomes 0.00003; ExAC 0.00006.
gnomAD v4.1: 14 of 1,548,676 alleles (0.0009%); highest among the groups gnomAD compares: Admixed American, 0.019%; 1 homozygote.

Submission:

Labcorp Genetics (formerly Invitae), Labcorp
Classification: Uncertain significance. Last evaluated: 2025-10-05. Review status: criteria provided, single submitter. Criteria: Invitae Variant Classification Sherloc (09022015). Collection method: clinical testing. Allele origin: germline.
Comment: This sequence change replaces proline, which is neutral and non-polar, with serine, which is neutral and polar, at codon 2039 of the DSCAML1 protein (p.Pro2039Ser). The frequency data for this variant in the population databases is considered unreliable, as metrics indicate poor data quality at this position in the gnomAD database. This variant has not been reported in the literature in individuals affected with DSCAML1-related conditions. ClinVar contains an entry for this variant (Variation ID: 1406889). An algorithm developed to predict the effect of missense changes on protein structure and function (PolyPhen-2) suggests that this variant is likely to be tolerated. In summary, the available evidence is currently insufficient to determine the role of this variant in disease. Therefore, it has been classified as a Variant of Uncertain Significance.

NM_020693.4(DSCAML1):c.5935C>T (p.Pro1979Ser)

Gene: DSCAML1 (DS cell adhesion molecule like 1; minus strand). Cytogenetic location: 11q23.3.
Variant type: single nucleotide variant.
Coding change: c.5935C>T on transcript NM_020693.4 (MANE Select); coding-DNA position 5935, C replaced by T.
Protein change: p.Pro1979Ser; replaces proline 1979 with serine.
Molecular consequence: missense variant.
Genome position (GRCh38, 1-based): chr11:117,428,555, G>A on the plus strand (C>T on the coding strand, the complement: DSCAML1 is on the minus strand). VCF-style: chr11-117428555-G-A. GRCh37 (hg19) VCF-style: chr11-117299271-G-A.
Other names: short protein forms P1979S.
Identifiers: ClinVar variation 1406889 (VCV001406889.7), dbSNP rs751935158, ClinGen allele CA6295924.